The following is an entry in ClinVar:

NM_005609.4(PYGM):c.1970-2A>C

Gene: PYGM (glycogen phosphorylase, muscle associated; minus strand). Cytogenetic location: 11q13.1.
Variant type: single nucleotide variant.
Coding change: c.1970-2A>C on transcript NM_005609.4 (MANE Select); the canonical splice acceptor site of the intron before coding-DNA position 1970, A replaced by C.
Molecular consequence: splice acceptor variant.
Genome position (GRCh38, 1-based): chr11:64,750,585, T>G on the plus strand (A>C on the coding strand, the complement: PYGM is on the minus strand). VCF-style: chr11-64750585-T-G. GRCh37 (hg19) VCF-style: chr11-64518057-T-G.
Other names: c.1706-2A>C (NM_001164716.1).
Identifiers: ClinVar variation 2078241 (VCV002078241.4), dbSNP rs1064797157, ClinGen allele CA381168364.

ClinVar aggregate classification (germline): Likely pathogenic (1 of 4 stars; one submission).

Conditions:
Glycogen storage disease, type V (GSD5). Also called: McArdle type glycogen storage disease; MCARDLE DISEASE; MUSCLE GLYCOGEN PHOSPHORYLASE DEFICIENCY; MYOPHOSPHORYLASE DEFICIENCY; PYGM DEFICIENCY. Identifiers: Orphanet 368, MedGen C0017924, MONDO:0009293, OMIM 232600.

Allele frequency attached by ClinVar (database versions not stated): gnomAD exomes below 0.00001.
gnomAD v4.1: 1 of 1,613,870 alleles (0.000062%); highest among the groups gnomAD compares: Non-Finnish European, 0.000085%; no homozygotes.

Submission:

Labcorp Genetics (formerly Invitae), Labcorp
Classification: Likely pathogenic for Glycogen storage disease, type V. Last evaluated: 2021-12-11. Review status: criteria provided, single submitter. Criteria: Invitae Variant Classification Sherloc (09022015). Collection method: clinical testing. Allele origin: germline.
Comment: In summary, the currently available evidence indicates that the variant is pathogenic, but additional data are needed to prove that conclusively. Therefore, this variant has been classified as Likely Pathogenic. Experimental studies and prediction algorithms are not available or were not evaluated, and the effect of this variant on mRNA splicing is currently unknown. This variant has not been reported in the literature in individuals affected with PYGM-related conditions. This variant is not present in population databases (gnomAD no frequency). This sequence change affects an acceptor splice site in intron 16 of the PYGM gene. It is expected to disrupt RNA splicing. Variants that disrupt the donor or acceptor splice site typically lead to a loss of protein function (PMID: 16199547), and loss-of-function variants in PYGM are known to be pathogenic (PMID: 8316268, 16786513).

Literature cited by the submitters: PubMed 16199547; PubMed 8316268; PubMed 16786513.